The following is an entry in ClinVar:

NM_199355.4(ADAMTS18):c.3331A>G (p.Asn1111Asp)

Gene: ADAMTS18 (ADAM metallopeptidase with thrombospondin type 1 motif 18; minus strand). Cytogenetic location: 16q23.1.
Variant type: single nucleotide variant.
Coding change: c.3331A>G on transcript NM_199355.4 (MANE Select); coding-DNA position 3331, A replaced by G.
Protein change: p.Asn1111Asp; replaces asparagine 1111 with aspartic acid.
Molecular consequence: missense variant.
Genome position (GRCh38, 1-based): chr16:77,291,337, T>C on the plus strand (A>G on the coding strand, the complement: ADAMTS18 is on the minus strand). VCF-style: chr16-77291337-T-C. GRCh37 (hg19) VCF-style: chr16-77325234-T-C.
Other names: c.2815A>G, p.Asn939Asp (NM_001326358.2); short protein forms N1111D, N939D.
Identifiers: ClinVar variation 1524804 (VCV001524804.6), dbSNP rs753293005, ClinGen allele CA8180498.

ClinVar aggregate classification (germline): Uncertain significance (1 of 4 stars; one submission).

Allele frequency attached by ClinVar (database versions not stated): ExAC 0.00001.

Submission:

Labcorp Genetics (formerly Invitae), Labcorp
Classification: Uncertain significance. Last evaluated: 2022-11-01. Review status: criteria provided, single submitter. Criteria: Invitae Variant Classification Sherloc (09022015). Collection method: clinical testing. Allele origin: germline.
Comment: ClinVar contains an entry for this variant (Variation ID: 1524804). In summary, the available evidence is currently insufficient to determine the role of this variant in disease. Therefore, it has been classified as a Variant of Uncertain Significance. Algorithms developed to predict the effect of missense changes on protein structure and function output the following: SIFT: "Not Available"; PolyPhen-2: "Benign"; Align-GVGD: "Not Available". The aspartic acid amino acid residue is found in multiple mammalian species, which suggests that this missense change does not adversely affect protein function. This variant has not been reported in the literature in individuals affected with ADAMTS18-related conditions. This variant is present in population databases (rs753293005, gnomAD 0.006%). This sequence change replaces asparagine, which is neutral and polar, with aspartic acid, which is acidic and polar, at codon 1111 of the ADAMTS18 protein (p.Asn1111Asp).